The following is an entry in ClinVar:

NM_001042492.3(NF1):c.794_795del (p.Ala265fs)

Gene: NF1 (neurofibromin 1; plus strand). Cytogenetic location: 17q11.2.
Variant type: Deletion.
Coding change: c.794_795del on transcript NM_001042492.3 (MANE Select); coding-DNA positions 794 to 795, 2 bases deleted (CA; older notation c.794_795delCA).
Protein change: p.Ala265fs; shifts the reading frame from alanine 265.
Molecular consequence: frameshift variant.
Genome position (GRCh38, 1-based): chr17:31,182,571-31,182,572, CA deleted. VCF-style (leftmost placement, unchanged base first): chr17-31182570-GCA-G. GRCh37 (hg19) VCF-style: chr17-29509588-GCA-G.
Other names: c.794_795del, p.Ala265fs (NM_000267.4, NM_001128147.3); short protein forms A265fs.
Identifiers: ClinVar variation 4722713 (VCV004722713.1).

ClinVar aggregate classification (germline): Pathogenic (1 of 4 stars; one submission).

Conditions:
Neurofibromatosis, type 1 (NF1). Also called: NEUROFIBROMATOSIS, TYPE I, SOMATIC; VON RECKLINGHAUSEN DISEASE; Peripheral type neurofibromatosis; Neurofibromatosis, type I. Identifiers: Orphanet 636, MedGen C0027831, MONDO:0018975, OMIM 162200. Disease mechanism: loss of function.

Submission:

Labcorp Genetics (formerly Invitae), Labcorp
Classification: Pathogenic for Neurofibromatosis, type 1. Last evaluated: 2025-07-06. Review status: criteria provided, single submitter. Criteria: Invitae Variant Classification Sherloc (09022015). Collection method: clinical testing. Allele origin: germline.
Comment: This sequence change creates a premature translational stop signal (p.Ala265Glyfs*25) in the NF1 gene. It is expected to result in an absent or disrupted protein product. Loss-of-function variants in NF1 are known to be pathogenic (PMID: 10712197, 23913538). This variant is not present in population databases (gnomAD no frequency). This variant has not been reported in the literature in individuals affected with NF1-related conditions. For these reasons, this variant has been classified as Pathogenic.

Literature cited by the submitters: PubMed 10712197; PubMed 23913538.